The following is an entry in ClinVar:

ClinVar aggregate classification (germline): Uncertain significance (1 of 4 stars; one submission).

Conditions:
Ullrich congenital muscular dystrophy 2 (UCMD2). Identifiers: Orphanet 75840, MedGen C4225314, MONDO:0014654, OMIM 616470.
Bethlem myopathy 2 (BTHLM2). Identifiers: Orphanet 536516, Orphanet 610, MedGen C4225313, MONDO:0034022, OMIM 616471.

Submission:

Labcorp Genetics (formerly Invitae), Labcorp
Classification: Uncertain significance for Bethlem myopathy 2; Ullrich congenital muscular dystrophy 2. Last evaluated: 2020-03-25. Review status: criteria provided, single submitter. Criteria: Invitae Variant Classification Sherloc (09022015). Collection method: clinical testing. Allele origin: germline.
Comment: In summary, the available evidence is currently insufficient to determine the role of this variant in disease. Therefore, it has been classified as a Variant of Uncertain Significance. Algorithms developed to predict the effect of missense changes on protein structure and function are either unavailable or do not agree on the potential impact of this missense change (SIFT: "Deleterious"; PolyPhen-2: "Possibly Damaging"; Align-GVGD: "Class C0"). This variant has not been reported in the literature in individuals with COL12A1-related conditions. This variant is not present in population databases (ExAC no frequency). This sequence change replaces threonine with arginine at codon 2303 of the COL12A1 protein (p.Thr2303Arg). The threonine residue is highly conserved and there is a moderate physicochemical difference between threonine and arginine.

NM_004370.6(COL12A1):c.6908C>G (p.Thr2303Arg)

Gene: COL12A1 (collagen type XII alpha 1 chain; minus strand). Cytogenetic location: 6q13.
Variant type: single nucleotide variant.
Coding change: c.6908C>G on transcript NM_004370.6 (MANE Select); coding-DNA position 6908, C replaced by G.
Protein change: p.Thr2303Arg; replaces threonine 2303 with arginine.
Molecular consequence: missense variant.
Genome position (GRCh38, 1-based): chr6:75,123,368, G>C on the plus strand (C>G on the coding strand, the complement: COL12A1 is on the minus strand). VCF-style: chr6-75123368-G-C. GRCh37 (hg19) VCF-style: chr6-75833084-G-C.
Other names: c.3416C>G, p.Thr1139Arg (NM_080645.3); short protein forms T2303R, T1139R.
Identifiers: ClinVar variation 952871 (VCV000952871.10), dbSNP rs780038146, ClinGen allele CA364728106.